The following is an entry in ClinVar:

NM_000400.4(ERCC2):c.2218A>C (p.Ser740Arg)

Gene: ERCC2 (ERCC excision repair 2, TFIIH core complex helicase subunit; minus strand). Cytogenetic location: 19q13.32.
Variant type: single nucleotide variant.
Coding change: c.2218A>C on transcript NM_000400.4 (MANE Select); coding-DNA position 2218, A replaced by C.
Protein change: p.Ser740Arg; replaces serine 740 with arginine.
Molecular consequence: missense variant.
Genome position (GRCh38, 1-based): chr19:45,351,694, T>G on the plus strand (A>C on the coding strand, the complement: ERCC2 is on the minus strand). VCF-style: chr19-45351694-T-G. GRCh37 (hg19) VCF-style: chr19-45854952-T-G.
Other names: short protein forms S740R.
Identifiers: ClinVar variation 3231682 (VCV003231682.1), dbSNP rs750251818, ClinGen allele CA9512812.

ClinVar aggregate classification (germline): Uncertain significance (1 of 4 stars; one submission).

Conditions:
Inborn genetic diseases. Identifiers: MedGen C0950123, MeSH D030342.

Allele frequency attached by ClinVar (database versions not stated): ExAC 0.00001.
gnomAD v4.1: 16 of 1,613,900 alleles (0.00099%); highest among the groups gnomAD compares: South Asian, 0.016%; no homozygotes.

Submission:

Ambry Genetics
Classification: Uncertain significance for Inborn genetic diseases. Last evaluated: 2023-09-20. Review status: criteria provided, single submitter. Criteria: Ambry Variant Classification Scheme 2023. Collection method: clinical testing. Allele origin: germline.
Comment: The p.S740R variant (also known as c.2218A>C), located in coding exon 23 of the ERCC2 gene, results from an A to C substitution at nucleotide position 2218. The serine at codon 740 is replaced by arginine, an amino acid with dissimilar properties. This amino acid position is conserved. In addition, the in silico prediction for this alteration is inconclusive. Since supporting evidence is limited at this time, the clinical significance of this alteration remains unclear.